The following is an entry in ClinVar:

NM_004991.4(MECOM):c.1585A>G (p.Met529Val)

Gene: MECOM (MDS1 and EVI1 complex locus; minus strand). Cytogenetic location: 3q26.2.
Variant type: single nucleotide variant.
Coding change: c.1585A>G on transcript NM_004991.4 (MANE Select); coding-DNA position 1585, A replaced by G.
Protein change: p.Met529Val; replaces methionine 529 with valine.
Molecular consequence: missense variant. On other transcripts: intron variant (2).
Genome position (GRCh38, 1-based): chr3:169,116,287, T>C on the plus strand (A>G on the coding strand, the complement: MECOM is on the minus strand). VCF-style: chr3-169116287-T-C. GRCh37 (hg19) VCF-style: chr3-168834075-T-C.
Other names: c.1216A>G, p.Met406Val (NM_001105077.4); c.1021A>G, p.Met341Val (NM_001105078.4, NM_001164000.2, NM_001205194.2 and 4 more transcripts); c.1024A>G, p.Met342Val (NM_001163999.2, NM_001366467.2, NM_001366468.2 and 1 more transcripts); c.1585A>G, p.Met529Val (NM_001366466.2); c.1133-520A>G (NM_001366473.2); c.569-520A>G (NM_001366474.2); short protein forms M342V, M406V, M341V, M529V.
Identifiers: ClinVar variation 3871853 (VCV003871853.1).

ClinVar aggregate classification (germline): Uncertain significance (1 of 4 stars; one submission).

Conditions:
Inborn genetic diseases. Identifiers: MedGen C0950123, MeSH D030342.

gnomAD v4.1: 6 of 1,614,036 alleles (0.00037%); highest among the groups gnomAD compares: African/African-American, 0.008%; no homozygotes.

Submission:

Ambry Genetics
Classification: Uncertain significance for Inborn genetic diseases. Last evaluated: 2025-02-25. Review status: criteria provided, single submitter. Criteria: Ambry Variant Classification Scheme 2023. Collection method: clinical testing. Allele origin: germline.
Comment: The p.M529V variant (also known as c.1585A>G), located in coding exon 8 of the MECOM gene, results from an A to G substitution at nucleotide position 1585. The methionine at codon 529 is replaced by valine, an amino acid with highly similar properties. This amino acid position is conserved. In addition, this alteration is predicted to be tolerated by in silico analysis. Based on the available evidence, the clinical significance of this variant remains unclear.